The following is an entry in ClinVar:

ClinVar aggregate classification (germline): Conflicting classifications of pathogenicity. Review status: criteria provided, conflicting classifications (1 of 4 stars). 3 submissions from 3 submitters: Uncertain significance (1); Likely benign (2). Last evaluated 2024-05-06.

Conditions:
Hereditary cancer-predisposing syndrome. Also called: Hereditary Cancer Syndrome; Hereditary neoplastic syndrome; Neoplastic Syndromes, Hereditary; Tumor predisposition. Identifiers: Orphanet 140162, MedGen C0027672, MeSH D009386, MONDO:0015356.

Allele frequency attached by ClinVar (database versions not stated): gnomAD exomes below 0.00001; TOPMed 0.00002; gnomAD 0.00001.
gnomAD v4.1: 4 of 1,613,536 alleles (0.00025%); highest among the groups gnomAD compares: African/African-American, 0.0053%; no homozygotes.

Submissions (3):

Labcorp Genetics (formerly Invitae), Labcorp
Classification: Likely benign. Last evaluated: 2024-05-06. Review status: criteria provided, single submitter. Criteria: Invitae Variant Classification Sherloc (09022015). Collection method: clinical testing. Allele origin: germline.

GeneDx
Classification: Uncertain significance. Last evaluated: 2023-07-03. Review status: criteria provided, single submitter. Criteria: GeneDx Variant Classification Process June 2021. Collection method: clinical testing. Allele origin: germline.
Comment: Not observed at significant frequency in large population cohorts (gnomAD); In silico analysis supports that this variant does not alter splicing; Has not been previously published as pathogenic or benign to our knowledge

Ambry Genetics
Classification: Likely benign for Hereditary cancer-predisposing syndrome. Last evaluated: 2019-02-12. Review status: criteria provided, single submitter. Criteria: Ambry Variant Classification Scheme 2023. Collection method: clinical testing. Allele origin: germline.

NM_006231.4(POLE):c.6646C>T (p.Leu2216=)

Gene: POLE (DNA polymerase epsilon, catalytic subunit; minus strand). Cytogenetic location: 12q24.33.
Variant type: single nucleotide variant.
Coding change: c.6646C>T on transcript NM_006231.4 (MANE Select); coding-DNA position 6646, C replaced by T.
Protein change: p.Leu2216=; no amino-acid change (leucine 2216 retained).
Molecular consequence: synonymous variant.
Genome position (GRCh38, 1-based): chr12:132,625,656, G>A on the plus strand (C>T on the coding strand, the complement: POLE is on the minus strand). VCF-style: chr12-132625656-G-A. GRCh37 (hg19) VCF-style: chr12-133202242-G-A.
Identifiers: ClinVar variation 1126342 (VCV001126342.14), dbSNP rs1220762553, ClinGen allele CA482725106.